The following is an entry in ClinVar:

NM_001429.4(EP300):c.3671+1G>A

Gene: EP300 (EP300 lysine acetyltransferase; plus strand). Cytogenetic location: 22q13.2.
Variant type: single nucleotide variant.
Coding change: c.3671+1G>A on transcript NM_001429.4 (MANE Select); the canonical splice donor site of the intron after coding-DNA position 3671, G replaced by A.
Molecular consequence: splice donor variant.
Genome position (GRCh38, 1-based): chr22:41,160,723, G>A. VCF-style: chr22-41160723-G-A. GRCh37 (hg19) VCF-style: chr22-41556727-G-A.
Other names: NC_000022.10:g.41556727G>A; c.3593+1G>A (NM_001362843.2).
Identifiers: ClinVar variation 1174646 (VCV001174646.9), dbSNP rs2059103511, ClinGen allele CA411696682.
Genomic context (GRCh38, chr22:41,160,723, plus strand): 5'-TTTCAATGAGATCCAAGGGGAGAGCGTTTCTTTGGGGGATGACCCTTCCCAGCCTCAAAC[G>A]TAAGTAACTGCATTATTTTGAAAAGTGCTAATTAGTTTGTTGTCCAGTGATTATGCACAG-3'

ClinVar aggregate classification (germline): Pathogenic/Likely pathogenic. Review status: criteria provided, multiple submitters, no conflicts (2 of 4 stars). 6 submissions from 5 submitters: Pathogenic (3); Likely pathogenic (1). 2 of the submissions do not count toward it. Last evaluated 2024-04-01.

Conditions:
Rubinstein-Taybi syndrome due to EP300 haploinsufficiency. Also called: EP300-Related Rubinstein-Taybi Syndrome; RUBINSTEIN-TAYBI SYNDROME 2. Identifiers: Orphanet 353284, Orphanet 783, MedGen C3150941, MONDO:0013364, OMIM 613684.
EP300-related disorder. Also called: EP300-related condition; EP300-related disorders.

Submissions (8):

Daryl Scott Lab, Baylor College of Medicine
Classification: Pathogenic for EP300-related disorder. Last evaluated: 2024-04-01. Review status: criteria provided, single submitter. Criteria: ACMG Guidelines, 2015. Collection method: clinical testing. Allele origin: de novo. Affected: yes. Observed: 1 heterozygote.
Comment: PVS1, PS2, PM2

Daryl Scott Lab, Baylor College of Medicine
Classification: Pathogenic for Rubinstein-Taybi syndrome due to EP300 haploinsufficiency. Last evaluated: 2024-01-01. Review status: criteria provided, single submitter. Criteria: ACMG Guidelines, 2015. Collection method: clinical testing. Allele origin: de novo. Affected: yes. Observed: 1 heterozygote.
Comment: the same text as in the submission from Daryl Scott Lab, Baylor College of Medicine above.

Laboratorio de Genetica e Diagnostico Molecular, Hospital Israelita Albert Einstein
Classification: Likely pathogenic for Rubinstein-Taybi syndrome due to EP300 haploinsufficiency. Last evaluated: 2022-06-15. Review status: criteria provided, single submitter. Criteria: ACMG Guidelines, 2015. Collection method: clinical testing. Allele origin: germline. Affected: yes. Observed: 1 variant allele.
Comment: ACMG classification criteria: PVS1 strong, PM2 moderated

3billion
Classification: Pathogenic for Rubinstein-Taybi syndrome due to EP300 haploinsufficiency. Last evaluated: 2022-05-22. Review status: criteria provided, single submitter. Criteria: ACMG Guidelines, 2015. Collection method: clinical testing. Allele origin: germline. Affected: yes. Observed: 1 heterozygote.
Comment: The variant is not observed in the gnomAD v2.1.1 dataset. Canonical splice site: predicted to alter splicing and result in a loss or disruption of normal protein function. Multiple pathogenic loss-of-function variants are reported downstream of the variant. The variant has been reported at least twice as pathogenic without evidence for the classification (ClinVar ID: VCV001174646). Therefore, this variant is classified as pathogenic according to the recommendation of ACMG/AMP guideline.

Diagnostic Laboratory, Department of Genetics, University Medical Center Groningen
Classification: Likely pathogenic. Review status: no assertion criteria provided. Collection method: clinical testing. Allele origin: germline. Affected: yes. Study: VKGL Data-share Consensus. Not counted in ClinVar's aggregate classification.

Dr. Peter K. Rogan Lab, Western University
No classification provided (evidence only). Condition: Squamous cell carcinoma of the head and neck. Review status: no classification provided. Collection method: in vitro. Allele origin: not applicable. Functional consequence: skipped exon. Not counted in ClinVar's aggregate classification.

Dr. Peter K. Rogan Lab, Western University
No classification provided (evidence only). Condition: Cervical cancer. Review status: no classification provided. Collection method: in vitro. Allele origin: not applicable. Functional consequence: skipped exon, retained intron. Not counted in ClinVar's aggregate classification.

Joint Genome Diagnostic Labs from Nijmegen and Maastricht, Radboudumc and MUMC+
Classification: Likely pathogenic. Review status: no assertion criteria provided. Collection method: clinical testing. Allele origin: germline. Affected: yes. Study: VKGL Data-share Consensus. Not counted in ClinVar's aggregate classification.